The following is an entry in ClinVar:

ClinVar aggregate classification (germline): Uncertain significance. Review status: criteria provided, multiple submitters, no conflicts (2 of 4 stars). 7 submissions from 7 submitters: Uncertain significance (7). Last evaluated 2025-12-02.

Conditions:
Hereditary cancer-predisposing syndrome. Also called: Neoplastic Syndromes, Hereditary; Hereditary neoplastic syndrome; Tumor predisposition; Hereditary Cancer Syndrome. Identifiers: Orphanet 140162, MedGen C0027672, MeSH D009386, MONDO:0015356.
Multiple endocrine neoplasia, type 2 (MEN2). Identifiers: Orphanet 653, MedGen C4048306, MONDO:0019003. Disease mechanism: gain of function.

Allele frequency attached by ClinVar (database versions not stated): gnomAD below 0.00001 and 0.00001; gnomAD exomes 0.00002; ExAC 0.00003.
gnomAD v4.1: 30 of 1,611,660 alleles (0.0019%); highest among the groups gnomAD compares: South Asian, 0.017%; 1 homozygote.

Submissions (7):

Labcorp Genetics (formerly Invitae), Labcorp
Classification: Uncertain significance for Multiple endocrine neoplasia, type 2. Last evaluated: 2025-12-02. Review status: criteria provided, single submitter. Criteria: Invitae Variant Classification Sherloc (09022015). Collection method: clinical testing. Allele origin: germline.
Comment: This sequence change replaces arginine, which is basic and polar, with glutamine, which is neutral and polar, at codon 600 of the RET protein (p.Arg600Gln). This variant is present in population databases (rs377767393, gnomAD 0.007%). This missense change has been observed in individual(s) with medullary thyroid carcinoma (PMID: 10612852, 33827484). ClinVar contains an entry for this variant (Variation ID: 24890). An algorithm developed to predict the effect of missense changes on protein structure and function outputs the following: PolyPhen-2: "Benign". The glutamine amino acid residue is found in multiple mammalian species, which suggests that this missense change does not adversely affect protein function. In summary, the available evidence is currently insufficient to determine the role of this variant in disease. Therefore, it has been classified as a Variant of Uncertain Significance.

Ambry Genetics
Classification: Uncertain significance for Hereditary cancer-predisposing syndrome. Last evaluated: 2024-11-07. Review status: criteria provided, single submitter. Criteria: Ambry Variant Classification Scheme 2023. Collection method: clinical testing. Allele origin: germline.
Comment: The p.R600Q variant (also known as c.1799G>A), located in coding exon 10 of the RET gene, results from a G to A substitution at nucleotide position 1799. The arginine at codon 600 is replaced by glutamine, an amino acid with highly similar properties. In addition, the R600Q alteration was not detected in any of the 300 control chromosomes analyzed (S&aacute;ez M et al. Hum. Mutat. 2000 Jan; 15(1):122). This amino acid position is poorly conserved in available vertebrate species. In addition, this alteration is predicted to be tolerated by in silico analysis. Based on the available evidence, the clinical significance of this variant remains unclear.

All of Us Research Program, National Institutes of Health
Classification: Uncertain significance for Multiple endocrine neoplasia, type 2. Last evaluated: 2024-04-25. Review status: criteria provided, single submitter. Criteria: ACMG Guidelines, 2015. Collection method: clinical testing. Allele origin: germline. Inheritance: Autosomal dominant inheritance. Observed: 9 variant alleles, 9 heterozygotes.
Comment: This missense variant replaces arginine with glutamine at codon 600 of the RET protein. Computational prediction suggests that this variant may not impact protein structure and function (internally defined REVEL score threshold <= 0.5, PMID: 27666373). To our knowledge, functional studies have not been reported for this variant. This variant has been reported in two individuals affected with sporadic medullary thryoid cancer (PMID: 10612852, 33827484) and the America Thyroid Association reported this variant in its lowest-risk group for aggressive medullary thyroid cancer (PMID: 19469690). This variant also has been reported in an individual affected with spordic primary hyperparathyroidism (PMID: 35586626). This variant has been identified in 5/244956 chromosomes in the general population by the Genome Aggregation Database (gnomAD). The available evidence is insufficient to determine the role of this variant in disease conclusively. Therefore, this variant is classified as a Variant of Uncertain Significance.

This study involves interpretation of variants in research participants for the purpose of population health screening. Participant phenotype was not available at the time of variant classification. Additional details can be found in publication PMID: 35346344, PMCID: PMC8962531

Color Diagnostics, LLC DBA Color Health
Classification: Uncertain significance for Multiple endocrine neoplasia, type 2. Last evaluated: 2024-04-10. Review status: criteria provided, single submitter. Criteria: ACMG Guidelines, 2015. Collection method: clinical testing. Allele origin: germline.
Comment: This missense variant replaces arginine with glutamine at codon 600 of the RET protein. Computational prediction suggests that this variant may not impact protein structure and function. To our knowledge, functional studies have not been reported for this variant. This variant has been reported in two individuals affected with sporadic medullary thryoid cancer (PMID: 10612852, 33827484) and the America Thyroid Association reported this variant in its lowest-risk group for aggressive medullary thyroid cancer (PMID: 19469690). This variant also has been reported in an individual affected with spordic primary hyperparathyroidism (PMID: 35586626). This variant has been identified in 5/244956 chromosomes in the general population by the Genome Aggregation Database (gnomAD). The available evidence is insufficient to determine the role of this variant in disease conclusively. Therefore, this variant is classified as a Variant of Uncertain Significance.

Blueprint Genetics
Classification: Uncertain significance. Last evaluated: 2023-10-11. Review status: criteria provided, single submitter. Criteria: ACMG Guidelines, 2015. Collection method: clinical testing. Allele origin: germline.

Revvity Omics, Revvity
Classification: Uncertain significance. Last evaluated: 2023-09-04. Review status: criteria provided, single submitter. Criteria: ACMG Guidelines, 2015. Collection method: clinical testing. Allele origin: germline.

Eurofins Ntd Llc (ga)
Classification: Uncertain significance. Last evaluated: 2017-03-16. Review status: criteria provided, single submitter. Criteria: EGL Classification Definitions 2015. Collection method: clinical testing. Allele origin: germline. Observed: 2 variant alleles, 2 heterozygotes.

Literature cited by the submitters: PubMed 10612852 (cited by 4 submitters); PubMed 33827484 (cited by 3 submitters); PubMed 19469690 (cited by 3 submitters); PubMed 35586626 (cited by All of Us Research Program, National Institutes of Health and Color Diagnostics, LLC DBA Color Health).

NM_020975.6(RET):c.1799G>A (p.Arg600Gln)

Gene: RET (ret proto-oncogene; plus strand). Cytogenetic location: 10q11.21.
Variant type: single nucleotide variant.
Coding change: c.1799G>A on transcript NM_020975.6 (MANE Select); coding-DNA position 1799, G replaced by A.
Protein change: p.Arg600Gln; replaces arginine 600 with glutamine.
Molecular consequence: missense variant.
Genome position (GRCh38, 1-based): chr10:43,113,595, G>A. VCF-style: chr10-43113595-G-A. GRCh37 (hg19) VCF-style: chr10-43609043-G-A.
Other names: c.1799G>A, p.Arg600Gln (NM_000323.2, NM_001406743.1, NM_001406744.1 and 6 more transcripts); c.1037G>A, p.Arg346Gln (NM_001355216.2); c.1670G>A, p.Arg557Gln (NM_001406761.1, NM_001406762.1, NM_001406764.1 and 1 more transcripts); c.1511G>A, p.Arg504Gln (NM_001406766.1, NM_001406767.1, NM_001406770.1); c.1403G>A, p.Arg468Gln (NM_001406769.1, NM_001406772.1); c.1361G>A, p.Arg454Gln (NM_001406771.1, NM_001406773.1); c.1274G>A, p.Arg425Gln (NM_001406774.1); c.1073G>A, p.Arg358Gln (NM_001406775.1, NM_001406776.1, NM_001406777.1 and 1 more transcripts); and 5 more; short protein forms R346Q, R117Q, R258Q, R504Q, R205Q, R301Q, R425Q, R454Q.
Identifiers: ClinVar variation 24890 (VCV000024890.22), dbSNP rs377767393, ClinGen allele CA007761.